The following is an entry in ClinVar:

ClinVar aggregate classification (germline): Uncertain significance (1 of 4 stars; one submission).

gnomAD v4.1: 1 of 1,611,742 alleles (0.000062%); highest among the groups gnomAD compares: Admixed American, 0.0017%; no homozygotes.

Submission:

Labcorp Genetics (formerly Invitae), Labcorp
Classification: Uncertain significance. Last evaluated: 2024-04-16. Review status: criteria provided, single submitter. Criteria: Invitae Variant Classification Sherloc (09022015). Collection method: clinical testing. Allele origin: germline.
Comment: This sequence change replaces glutamine, which is neutral and polar, with histidine, which is basic and polar, at codon 321 of the CDHR1 protein (p.Gln321His). This variant also falls at the last nucleotide of exon 10, which is part of the consensus splice site for this exon. This variant is present in population databases (no rsID available, gnomAD 0.003%). This missense change has been observed in individual(s) with CDHR1-related conditions (PMID: 31736247). In at least one individual the data is consistent with being in trans (on the opposite chromosome) from a pathogenic variant. An algorithm developed to predict the effect of missense changes on protein structure and function (PolyPhen-2) suggests that this variant is likely to be disruptive. Variants that disrupt the consensus splice site are a relatively common cause of aberrant splicing (PMID: 17576681, 9536098). Algorithms developed to predict the effect of sequence changes on RNA splicing suggest that this variant may disrupt the consensus splice site. In summary, the available evidence is currently insufficient to determine the role of this variant in disease. Therefore, it has been classified as a Variant of Uncertain Significance.

Literature cited by the submitters: PubMed 31736247; PubMed 17576681; PubMed 9536098.

NM_033100.4(CDHR1):c.963G>C (p.Gln321His)

Gene: CDHR1 (cadherin related family member 1; plus strand). Cytogenetic location: 10q23.1.
Variant type: single nucleotide variant.
Coding change: c.963G>C on transcript NM_033100.4 (MANE Select); coding-DNA position 963, G replaced by C.
Protein change: p.Gln321His; replaces glutamine 321 with histidine.
Molecular consequence: missense variant.
Genome position (GRCh38, 1-based): chr10:84,205,927, G>C. VCF-style: chr10-84205927-G-C. GRCh37 (hg19) VCF-style: chr10-85965683-G-C.
Other names: c.963G>C, p.Gln321His (NM_001171971.3); short protein forms Q321H.
Identifiers: ClinVar variation 3609677 (VCV003609677.2).